The following is an entry in ClinVar:

NM_207361.6(FREM2):c.4888G>A (p.Val1630Ile)

Gene: FREM2 (FRAS1 related extracellular matrix 2; plus strand). Cytogenetic location: 13q13.3.
Variant type: single nucleotide variant.
Coding change: c.4888G>A on transcript NM_207361.6 (MANE Select); coding-DNA position 4888, G replaced by A.
Protein change: p.Val1630Ile; replaces valine 1630 with isoleucine.
Molecular consequence: missense variant.
Genome position (GRCh38, 1-based): chr13:38,692,232, G>A. VCF-style: chr13-38692232-G-A. GRCh37 (hg19) VCF-style: chr13-39266369-G-A.
Other names: c.4888G>A (NM_207361.5); short protein forms V1630I.
Identifiers: ClinVar variation 3576102 (VCV003576102.2).

ClinVar aggregate classification (germline): Uncertain significance. Review status: criteria provided, multiple submitters, no conflicts (2 of 4 stars). 2 submissions from 2 submitters: Uncertain significance (2). Last evaluated 2025-06-10.

Conditions:
Isolated cryptophthalmia. Also called: Cryptophthalmos, unilateral or bilateral, isolated; ANKYLOBLEPHARON, SIMPLE. Identifiers: Orphanet 91396, MedGen C1852453, MONDO:0007410, OMIM 123570.
Fraser syndrome 2 (FRASRS2). Identifiers: MedGen C4540036, MONDO:0054738, OMIM 617666.
FREM2-related disorder. Also called: FREM2-related condition.

gnomAD v4.1: 2 of 1,614,188 alleles (0.00012%); highest among the groups gnomAD compares: Non-Finnish European, 0.000085%; no homozygotes.

Submissions (2):

PreventionGenetics, part of Exact Sciences
Classification: Uncertain significance for FREM2-related condition. Last evaluated: 2025-06-10. Review status: criteria provided, single submitter. Criteria: ACMG Guidelines, 2015. Collection method: clinical testing. Allele origin: germline.
Comment: The FREM2 c.4888G>A variant is predicted to result in the amino acid substitution p.Val1630Ile. To our knowledge, this variant has not been reported in the literature or in a large population database (gnomAD), indicating this variant is rare. At this time, the clinical significance of this variant is uncertain due to the absence of conclusive functional and genetic evidence.

Fulgent Genetics
Classification: Uncertain significance for Isolated cryptophthalmia; Fraser syndrome 2. Last evaluated: 2024-06-08. Review status: criteria provided, single submitter. Criteria: ACMG Guidelines, 2015. Collection method: clinical testing. Allele origin: germline.